The following is an entry in ClinVar:

ClinVar aggregate classification (germline): Likely benign. Review status: criteria provided, multiple submitters, no conflicts (2 of 4 stars). 3 submissions from 3 submitters: Likely benign (2). 1 of the submissions does not count toward it. Last evaluated 2024-02-15.

Conditions:
RAI1-related disorder. Also called: RAI1-related condition.

Allele frequency attached by ClinVar (database versions not stated): gnomAD exomes below 0.00001 and 0.00001; gnomAD 0.00001; TOPMed 0.00002.
gnomAD v4.1: 3 of 1,613,964 alleles (0.00019%); highest among the groups gnomAD compares: African/African-American, 0.0013%; no homozygotes.

Submissions (3):

Labcorp Genetics (formerly Invitae), Labcorp
Classification: Likely benign. Last evaluated: 2024-02-15. Review status: criteria provided, single submitter. Criteria: Invitae Variant Classification Sherloc (09022015). Collection method: clinical testing. Allele origin: germline.

Blueprint Genetics
Classification: Likely benign. Last evaluated: 2021-08-06. Review status: criteria provided, single submitter. Criteria: ACMG Guidelines, 2015. Collection method: clinical testing. Allele origin: germline.

PreventionGenetics, part of Exact Sciences
Classification: Likely benign for RAI1-related condition. Last evaluated: 2020-11-24. Review status: no assertion criteria provided. Collection method: clinical testing. Allele origin: germline. Not counted in ClinVar's aggregate classification.
Comment: This variant is classified as likely benign based on ACMG/AMP sequence variant interpretation guidelines (Richards et al. 2015 PMID: 25741868, with internal and published modifications).

NM_030665.4(RAI1):c.4167G>A (p.Gln1389=)

Gene: RAI1 (retinoic acid induced 1; plus strand). Cytogenetic location: 17p11.2.
Variant type: single nucleotide variant.
Coding change: c.4167G>A on transcript NM_030665.4 (MANE Select); coding-DNA position 4167, G replaced by A.
Protein change: p.Gln1389=; no amino-acid change (glutamine 1389 retained).
Molecular consequence: synonymous variant.
Genome position (GRCh38, 1-based): chr17:17,797,115, G>A. VCF-style: chr17-17797115-G-A. GRCh37 (hg19) VCF-style: chr17-17700429-G-A.
Other names: c.4167G>A (NM_030665.3).
Identifiers: ClinVar variation 1579723 (VCV001579723.10), dbSNP rs999677571, ClinGen allele CA288371007.